The following is an entry in ClinVar:

NM_004972.4(JAK2):c.1219G>C (p.Asp407His)

Genes: INSL6 (insulin like 6; minus strand), JAK2 (Janus kinase 2; plus strand). Cytogenetic location: 9p24.1.
Variant type: single nucleotide variant.
Coding change: c.1219G>C on transcript NM_004972.4 (MANE Select); coding-DNA position 1219, G replaced by C.
Protein change: p.Asp407His; replaces aspartic acid 407 with histidine.
Molecular consequence: missense variant. On other transcripts: non-coding transcript variant (2).
Genome position (GRCh38, 1-based): chr9:5,066,682, G>C. VCF-style: chr9-5066682-G-C. GRCh37 (hg19) VCF-style: chr9-5066682-G-C.
Other names: c.1219G>C, p.Asp407His (NM_001322194.2, NM_001322195.2, NM_001322196.2); c.4G>C, p.Asp2His (NM_001322198.2, NM_001322199.2); c.772G>C, p.Asp258His (NM_001322204.2); short protein forms D258H, D2H, D407H.
Identifiers: ClinVar variation 4776013 (VCV004776013.1).

ClinVar aggregate classification (germline): Uncertain significance (1 of 4 stars; one submission).

gnomAD v4.1: 10 of 1,577,336 alleles (0.00063%); highest among the groups gnomAD compares: East Asian, 0.02%; no homozygotes.

Submission:

Labcorp Genetics (formerly Invitae), Labcorp
Classification: Uncertain significance. Last evaluated: 2025-03-05. Review status: criteria provided, single submitter. Criteria: Invitae Variant Classification Sherloc (09022015). Collection method: clinical testing. Allele origin: germline.
Comment: This sequence change replaces aspartic acid, which is acidic and polar, with histidine, which is basic and polar, at codon 407 of the JAK2 protein (p.Asp407His). This variant is present in population databases (rs140392449, gnomAD 0.06%). This variant has not been reported in the literature in individuals affected with JAK2-related conditions. Invitae Evidence Modeling of protein sequence and biophysical properties (such as structural, functional, and spatial information, amino acid conservation, physicochemical variation, residue mobility, and thermodynamic stability) indicates that this missense variant is not expected to disrupt JAK2 protein function with a negative predictive value of 80%. In summary, the available evidence is currently insufficient to determine the role of this variant in disease. Therefore, it has been classified as a Variant of Uncertain Significance.